The following is an entry in ClinVar:

ClinVar aggregate classification (germline): Uncertain significance (1 of 4 stars; one submission).

Submission:

GeneDx
Classification: Uncertain significance. Last evaluated: 2025-03-03. Review status: criteria provided, single submitter. Criteria: GeneDx Variant Classification Process June 2021. Collection method: clinical testing. Allele origin: germline. Affected: yes.
Comment: Not observed at significant frequency in large population cohorts (gnomAD); In-frame deletion of 14 amino acid(s) in a non-repeat region; In silico analysis supports a deleterious effect on protein structure/function; Has not been previously published as pathogenic or benign to our knowledge

NM_001394998.1(TANC2):c.5426_5467del (p.Tyr1809_Ser1822del)

Gene: TANC2 (tetratricopeptide repeat, ankyrin repeat and coiled-coil containing 2; plus strand). Cytogenetic location: 17q23.3.
Variant type: Deletion.
Coding change: c.5426_5467del on transcript NM_001394998.1 (MANE Select); coding-DNA positions 5426 to 5467, 42 bases deleted.
Protein change: p.Tyr1809_Ser1822del.
Genome position (GRCh38, 1-based): chr17:63,421,156-63,421,197, 42 bases deleted; deleting any 42 consecutive bases within chr17:63,421,152-63,421,197 gives the same sequence; the c. name uses the placement nearest the transcript's 3' end. GRCh37 (hg19): chr17:61,498,517-61,498,558.
Other names: c.5204_5245del, p.Tyr1735_Ser1748del (NM_001411076.1); c.5174_5215del, p.Tyr1725_Ser1738del (NM_025185.4).
Identifiers: ClinVar variation 4082671 (VCV004082671.1).